The following is an entry in ClinVar:

ClinVar aggregate classification (germline): Pathogenic/Likely pathogenic. Review status: criteria provided, multiple submitters, no conflicts (2 of 4 stars). 4 submissions from 4 submitters: Pathogenic (2); Likely pathogenic (2). Last evaluated 2026-05-15.

Conditions:
Hypertrophic cardiomyopathy. Also called: HYPERTROPHIC MYOCARDIOPATHY. Identifiers: Orphanet 217569, MedGen C0007194, MeSH D002312, MONDO:0005045, HP:0001639.
Hypertrophic cardiomyopathy 1 (CMH1). Also called: MYH7-Related Familial Hypertrophic Cardiomyopathy; Familial hypertrophic cardiomyopathy 1. Identifiers: MedGen C3495498, MONDO:0008647, OMIM 192600.

Submissions (4):

Victorian Clinical Genetics Services, Murdoch Childrens Research Institute
Classification: Pathogenic for Hypertrophic cardiomyopathy 1. Last evaluated: 2026-05-15. Review status: criteria provided, single submitter. Criteria: ACMG Guidelines, 2015. Collection method: clinical testing. Allele origin: germline. Affected: yes.
Comment: This variant is classified as Pathogenic. Evidence in support of pathogenic classification: Variant is absent from gnomAD (v2, v3 and v4); This variant has moderate previous evidence of pathogenicity in unrelated individuals. This variant has been classified as pathogenic or likely pathogenic by clinical laboratories in ClinVar. In addition, it has been reported in multiple unrelated individuals with hypertrophic cardiomyopathy (PMID: 9822100, 28408708, 20624503, 33954932; Di Lisi et al. (2019)); Other missense variants comparable to the one identified in this case have moderate previous evidence for pathogenicity. The p.(Asn696Tyr) and p.(Asn696His) variants have each been classified as likely pathogenic by a clinical laboratory (ClinVar); Variant is located in a hotspot region or cluster of pathogenic variants. This variant is found within the head region, which is enriched with pathogenic missense variants (PMID: 29300372); Additional information: Variant is predicted to result in a missense amino acid change from Asn to Ser; This variant is heterozygous; This gene is associated with both recessive and dominant disease. This gene usually has autosomal dominant inheritance; however, a recessive inheritance pattern has been observed in individuals with a severe phenotype (OMIM); Segregation evidence for this variant is inconclusive. This variant has been shown to segregate with disease in one family (Di Lisi et al. (2019)); No published functional evidence has been identified for this variant; Missense variant with inconclusive in silico prediction and/or uninformative conservation; The mechanism of disease for this gene is not clearly established; however, missense variants have been proposed to act in a dominant negative manner (PMID: 24714796); The condition associated with this gene has incomplete penetrance (PMID: 29300372).

Labcorp Genetics (formerly Invitae), Labcorp
Classification: Pathogenic for Hypertrophic cardiomyopathy. Last evaluated: 2023-04-17. Review status: criteria provided, single submitter. Criteria: Invitae Variant Classification Sherloc (09022015). Collection method: clinical testing. Allele origin: germline.
Comment: This variant is not present in population databases (gnomAD no frequency). This sequence change replaces asparagine, which is neutral and polar, with serine, which is neutral and polar, at codon 696 of the MYH7 protein (p.Asn696Ser). For these reasons, this variant has been classified as Pathogenic. This variant is found within a region of MYH7 between codons 181 and 937 that contains the majority of the myosin head domain. Missense variants in this region have been shown to be significantly overrepresented in individuals with hypertrophic cardiomyopathy (PMID: 27532257). Advanced modeling of protein sequence and biophysical properties (such as structural, functional, and spatial information, amino acid conservation, physicochemical variation, residue mobility, and thermodynamic stability) performed at Invitae indicates that this missense variant is expected to disrupt MYH7 protein function. ClinVar contains an entry for this variant (Variation ID: 181173). This missense change has been observed in individual(s) with hypertrophic cardiomyopathy (PMID: 9822100, 28615295; Invitae). In at least one individual the variant was observed to be de novo.

GeneDx
Classification: Likely pathogenic. Last evaluated: 2022-06-30. Review status: criteria provided, single submitter. Criteria: GeneDx Variant Classification Process June 2021. Collection method: clinical testing. Allele origin: germline. Affected: yes.
Comment: Identified in patients with HCM referred for genetic testing at GeneDx and in published literature (Jskelinen et al., 1998; Millat et al., 2010; Teirlinck et al., 2012; Ross et al., 2017; Mattivi et al., 2020); Not observed at significant frequency in large population cohorts (gnomAD); In silico analysis supports that this missense variant has a deleterious effect on protein structure/function; This variant is associated with the following publications: (PMID: 23140321, 9822100, 24888384, 27532257, 29300372, 28615295, 28265379, 31006259, 32894683, 20800588)

Agnes Ginges Centre for Molecular Cardiology, Centenary Institute
Classification: Likely pathogenic for Hypertrophic cardiomyopathy 1. Last evaluated: 2018-08-24. Review status: criteria provided, single submitter. Criteria: ACMG Guidelines, 2015. Collection method: research. Allele origin: de novo. Inheritance: Autosomal dominant inheritance. Affected: yes.
Comment: The MYH7 Asn696Ser variant has been reported previously in 6 HCM probands (GeneDx, Pers. Comm.; Jaaskelainen P, et al., 2014; Teirlinck CH, et al., 2012; Millat G, et al., 2010; Jaaskelainen P, et al., 1998). One of the probands was also reported to carry MYH7 Met982Thr (Millat G, et al., 2010), however this variant is found at high frequency in population databases (MAF=0.0009), which is highly suggestive of a benign polymorphism. The MYH7 Asn696Ser is very rare, being absent from the Exome Aggregation Consortium dataset. Computational tools SIFT, PolyPhen-HCM, MutationTaster predict this variant to have a deleterious effect, however PolyPhen2 predicts this variant to be "benign". In a large HCM population study Walsh et al., showed that MYH7 variants identified in HCM cases were found to cluster between amino acids 181- 937 (2017), this implies that variants in this region are likely to cause a HCM phenotype. In summary, based on the adapted ACMG guidelines (Kelly MA, et al., 2018) the variant is located in a known functional domain of MYH7 (PM1), is rare in the general population (PM2), has been identified in a de novo case (PM6) and has been reported in a total of 7 HCM probands (PS4_moderate), therefore we classify MYH7 Asn696Ser as 'likely pathogenic'.

Literature cited by the submitters: PubMed 20624503 (cited by Victorian Clinical Genetics Services, Murdoch Childrens Research Institute and Agnes Ginges Centre for Molecular Cardiology, Centenary Institute); PubMed 24714796 (cited by Victorian Clinical Genetics Services, Murdoch Childrens Research Institute); PubMed 9822100 (cited by 3 submitters); PubMed 33954932 (cited by Victorian Clinical Genetics Services, Murdoch Childrens Research Institute); PubMed 29300372 (cited by Victorian Clinical Genetics Services, Murdoch Childrens Research Institute); PubMed 28408708 (cited by Victorian Clinical Genetics Services, Murdoch Childrens Research Institute); PubMed 27532257 (cited by Labcorp Genetics (formerly Invitae), Labcorp); PubMed 28615295 (cited by Labcorp Genetics (formerly Invitae), Labcorp); PubMed 23140321 (cited by Agnes Ginges Centre for Molecular Cardiology, Centenary Institute); PubMed 24888384 (cited by Agnes Ginges Centre for Molecular Cardiology, Centenary Institute).

NM_000257.4(MYH7):c.2087A>G (p.Asn696Ser)

Gene: MYH7 (myosin heavy chain 7; minus strand). Cytogenetic location: 14q11.2.
Variant type: single nucleotide variant.
Coding change: c.2087A>G on transcript NM_000257.4 (MANE Select); coding-DNA position 2087, A replaced by G.
Protein change: p.Asn696Ser; replaces asparagine 696 with serine.
Molecular consequence: missense variant.
Genome position (GRCh38, 1-based): chr14:23,426,039, T>C on the plus strand (A>G on the coding strand, the complement: MYH7 is on the minus strand). VCF-style: chr14-23426039-T-C. GRCh37 (hg19) VCF-style: chr14-23895248-T-C.
Other names: p.N696S:AAT>AGT; c.2087A>G (LRG_384t1); short protein forms N696S.
Identifiers: ClinVar variation 181173 (VCV000181173.14), dbSNP rs730880732, ClinGen allele CA011651.